The following is an entry in ClinVar:

ClinVar aggregate classification (germline): Likely benign (0 of 4 stars; one submission).

Conditions:
PTGIS-related disorder. Also called: PTGIS-related condition.

Allele frequency attached by ClinVar (database versions not stated): 1000 Genomes Project 0.00040; ExAC 0.00049; 1000 Genomes Project 30x 0.00062; ESP Exome Variant Server 0.00208.
gnomAD v4.1: 553 of 1,614,162 alleles (0.034%); highest among the groups gnomAD compares: African/African-American, 0.59%; 1 homozygote.

Submission:

PreventionGenetics, part of Exact Sciences
Classification: Likely benign for PTGIS-related condition. Last evaluated: 2020-02-04. Review status: no assertion criteria provided. Collection method: clinical testing. Allele origin: germline.
Comment: This variant is classified as likely benign based on ACMG/AMP sequence variant interpretation guidelines (Richards et al. 2015 PMID: 25741868, with internal and published modifications).

NM_000961.4(PTGIS):c.754C>T (p.Arg252Trp)

Gene: PTGIS (prostaglandin I2 synthase; minus strand). Cytogenetic location: 20q13.13.
Variant type: single nucleotide variant.
Coding change: c.754C>T on transcript NM_000961.4 (MANE Select); coding-DNA position 754, C replaced by T.
Protein change: p.Arg252Trp; replaces arginine 252 with tryptophan.
Molecular consequence: missense variant.
Genome position (GRCh38, 1-based): chr20:49,524,159, G>A on the plus strand (C>T on the coding strand, the complement: PTGIS is on the minus strand). VCF-style: chr20-49524159-G-A. GRCh37 (hg19) VCF-style: chr20-48140696-G-A.
Other names: short protein forms R252W.
Identifiers: ClinVar variation 3051904 (VCV003051904.2), dbSNP rs145783271, ClinGen allele CA9903508.
Genomic context (GRCh38, chr20:49,524,159, plus strand): 5'-TCTCCTCTGACACACCCATCTCCTCCAGGTGCAGCAGGTAACTCTCCAGCCATTTGCTCC[G>A]GTGGGCCCGCCTGGCCAGCCTGGCTGGGGATAGCAGCTTCCACAGGCGACTTTTGACACT-3'
Protein context (NP_000952.1, residues 242-262): SPARLARRAH[Arg252Trp]SKWLESYLLH